The following is an entry in ClinVar:

NM_000022.4(ADA):c.201C>G (p.Tyr67Ter)

Genes: ADA (adenosine deaminase; minus strand), LOC107303343 (adenosine deaminase intronic regulatory elements; plus strand). Cytogenetic location: 20q13.12.
Variant type: single nucleotide variant.
Coding change: c.201C>G on transcript NM_000022.4 (MANE Select); coding-DNA position 201, C replaced by G.
Protein change: p.Tyr67Ter; replaces tyrosine 67 with a stop codon.
Molecular consequence: nonsense. On other transcripts: 5 prime UTR variant (1), non-coding transcript variant (1).
Genome position (GRCh38, 1-based): chr20:44,629,064, G>C on the plus strand (C>G on the coding strand, the complement: ADA is on the minus strand). VCF-style: chr20-44629064-G-C. GRCh37 (hg19) VCF-style: chr20-43257705-G-C.
Other names: NM_000022.4(ADA):c.201C>G; p.Tyr67Ter; c.-89C>G (NM_001322050.2); c.201C>G, p.Tyr67Ter (NM_001322051.2); c.201C>G (NM_000022.3); short protein forms Y67*.
Identifiers: ClinVar variation 1075328 (VCV001075328.13), dbSNP rs1419063255, ClinGen allele CA409121739.

ClinVar aggregate classification (germline): Likely pathogenic. Review status: reviewed by expert panel (3 of 4 stars). 4 submissions from 4 submitters: Likely pathogenic (1). 3 of the submissions do not count toward it. Last evaluated 2023-11-14.

Conditions:
Severe combined immunodeficiency, autosomal recessive, T cell-negative, B cell-negative, NK cell-negative, due to adenosine deaminase deficiency. Also called: SCID DUE TO ADA DEFICIENCY; SCID DUE TO ADA DEFICIENCY, EARLY-ONSET; ADA-SCID; ADA deficiency; Adenosine deaminase deficient severe combined immunodeficiency; Severe combined immunodeficiency due to ADA deficiency. Identifiers: Orphanet 277, MedGen C0392607, MONDO:0007064, OMIM 102700.

Allele frequency attached by ClinVar (database versions not stated): TOPMed 0.00001.

Submissions (4):

ClinGen Severe Combined Immunodeficiency Variant Curation Expert Panel, ClinGen
Classification: Likely pathogenic for Severe combined immunodeficiency, autosomal recessive, T cell-negative, B cell-negative, NK cell-negative, due to adenosine deaminase deficiency. Last evaluated: 2023-11-14. Review status: reviewed by expert panel. Criteria: ClinGen SCID ACMG Specifications ADA V1.0.0. Collection method: curation. Allele origin: germline. Inheritance: Autosomal recessive inheritance.
Comment: The NM_000022.4(ADA):c.201C>G (p.Tyr67Ter) variant in ADA is a nonsense variant predicted to cause a premature stop codon in biologically relevant exon 3/12 leading to nonsense-mediated decay in a gene in which loss-of-function is an established disease mechanism (PVS1). This variant is absent from gnomAD v2.1.1 (PM2_Supporting). This variant has been reported in ClinVar without patient information; however, it has not been reported in the literature to our knowledge. In summary, this variant meets the criteria to be classified as Likely Pathogenic for SCID. ACMG/AMP criteria applied, as specified by the ClinGen SCID-VCEP: PVS1 and PM2_Supporting (VCEP specifications version 1).

Natera, Inc.
Classification: Likely pathogenic for Severe combined immunodeficiency due to ADA deficiency. Last evaluated: 2024-03-19. Review status: criteria provided, single submitter. Criteria: Natera Variant Classification Schema (03/2026). Collection method: clinical testing. Allele origin: germline. Not counted in ClinVar's aggregate classification.
Comment: The c.201C>G variant in ADA is a nonsense variant predicted to introduce a stop codon at amino acid 67. This variant is expected to result in nonsense mediated decay, truncation, or a dysfunctional protein product. This variant is rare in the general population with a frequency below the threshold expected for the associated phenotype(s). Given the available evidence, this variant is classified as Likely Pathogenic.

Genome-Nilou Lab
Classification: Pathogenic for Severe combined immunodeficiency, autosomal recessive, T cell-negative, B cell-negative, NK cell-negative, due to adenosine deaminase deficiency. Last evaluated: 2021-08-10. Review status: criteria provided, single submitter. Criteria: ACMG Guidelines, 2015. Collection method: clinical testing. Allele origin: germline. Affected: no. Not counted in ClinVar's aggregate classification.

Labcorp Genetics (formerly Invitae), Labcorp
Classification: Pathogenic for Severe combined immunodeficiency, autosomal recessive, T cell-negative, B cell-negative, NK cell-negative, due to adenosine deaminase deficiency. Last evaluated: 2020-07-08. Review status: criteria provided, single submitter. Criteria: Invitae Variant Classification Sherloc (09022015). Collection method: clinical testing. Allele origin: germline. Not counted in ClinVar's aggregate classification.
Comment: Loss-of-function variants in ADA are known to be pathogenic (PMID: 26255240, 26376800). This variant has not been reported in the literature in individuals with ADA-related conditions. This variant is not present in population databases (ExAC no frequency). This sequence change creates a premature translational stop signal (p.Tyr67*) in the ADA gene. It is expected to result in an absent or disrupted protein product. For these reasons, this variant has been classified as Pathogenic.

Literature cited by the submitters: PubMed 26255240 (cited by Labcorp Genetics (formerly Invitae), Labcorp); PubMed 26376800 (cited by Labcorp Genetics (formerly Invitae), Labcorp).